The following is an entry in ClinVar:

ClinVar aggregate classification (germline): Uncertain significance (1 of 4 stars; one submission).

Conditions:
Developmental and epileptic encephalopathy, 9 (DEE9). Also called: Early infantile epileptic encephalopathy 9; EPILEPSY, FEMALE-RESTRICTED, WITH MENTAL RETARDATION; JUBERG-HELLMAN SYNDROME; PCDH19-Related X-Linked Female-Limited Epilepsy with Mental Retardation. Identifiers: Orphanet 101039, Orphanet 2076, MedGen C1848137, MONDO:0010246, OMIM 300088. Disease mechanism: loss of function.

Submission:

New York Genome Center
Classification: Uncertain significance for Developmental and epileptic encephalopathy, 9. Last evaluated: 2021-08-27. Review status: criteria provided, single submitter. Criteria: NYGC Assertion Criteria 2020. Collection method: clinical testing. Allele origin: inherited. Observed: 1 heterozygote. Study: CSER-NYCKidSeq.
Comment: This variant is absent from gnomAD(v3.1.1) suggesting it is not a common benign variant in the populations represented in that database. In silico algorithms predict this variant to be Damaging (SIFT; score: 0.001) and Benign (REVEL; score:0.541) to the function of the canonical transcript. This variant is absent from ClinVar and to our current knowledge has not been reported in affected individuals in the literature. The p.Ser67 residue is within the first cadherindomain of PCDH19 (UniProtKB:Q8TAB3), and missense variants within cadherin domains, including cadherin domain 1, have been reported in many affected individuals in the literature [PMID:29892053, 22267210].

NM_001184880.2(PCDH19):c.200C>G (p.Ser67Trp)

Gene: PCDH19 (protocadherin 19; minus strand). Cytogenetic location: Xq22.1.
Variant type: single nucleotide variant.
Coding change: c.200C>G on transcript NM_001184880.2 (MANE Select); coding-DNA position 200, C replaced by G.
Protein change: p.Ser67Trp; replaces serine 67 with tryptophan.
Molecular consequence: missense variant.
Genome position (GRCh38, 1-based): chrX:100,408,398, G>C on the plus strand (C>G on the coding strand, the complement: PCDH19 is on the minus strand). VCF-style: chrX-100408398-G-C. GRCh37 (hg19) VCF-style: chrX-99663396-G-C.
Other names: c.200C>G, p.Ser67Trp (NM_001105243.2, NM_020766.3); short protein forms S67W.
Identifiers: ClinVar variation 1701755 (VCV001701755.1), dbSNP rs868762744, ClinGen allele CA414011168.